The following is an entry in ClinVar:

NM_152564.5(VPS13B):c.3013T>A (p.Leu1005Met)

Gene: VPS13B (vacuolar protein sorting 13 homolog B; plus strand). Cytogenetic location: 8q22.2.
Variant type: single nucleotide variant.
Coding change: c.3013T>A on transcript NM_152564.5 (MANE Select); coding-DNA position 3013, T replaced by A.
Protein change: p.Leu1005Met; replaces leucine 1005 with methionine.
Molecular consequence: missense variant.
Genome position (GRCh38, 1-based): chr8:99,391,635, T>A. VCF-style: chr8-99391635-T-A. GRCh37 (hg19) VCF-style: chr8-100403863-T-A.
Other names: c.3013T>A, p.Leu1005Met (NM_017890.5); short protein forms L1005M.
Identifiers: ClinVar variation 1392246 (VCV001392246.6), dbSNP rs1563704394, ClinGen allele CA371865731.
Genomic context (GRCh38, chr8:99,391,635, plus strand): 5'-CCTCTTGTTATGCCAGTTTGTAGAAGGAAAGAGGATGAGGTGTCTATTGGAAGTGCCCCC[T>A]TGGCAAAGCAGCAATCATATCAGGCCTCTGAATATGCCAGCAGCCCTGTAAAAACAAAAA-3'
Protein context (NP_689777.3, residues 995-1015): EDEVSIGSAP[Leu1005Met]AKQQSYQASE

ClinVar aggregate classification (germline): Uncertain significance (1 of 4 stars; one submission).

Conditions:
Cohen syndrome (COH1). Also called: PEPPER SYNDROME; Cutis verticis gyrata, retinitis pigmentosa, and sensorineural deafness. Identifiers: Orphanet 193, MedGen C0265223, MONDO:0008999, OMIM 216550.

Submission:

Labcorp Genetics (formerly Invitae), Labcorp
Classification: Uncertain significance for Cohen syndrome. Last evaluated: 2023-08-24. Review status: criteria provided, single submitter. Criteria: Invitae Variant Classification Sherloc (09022015). Collection method: clinical testing. Allele origin: germline.
Comment: Advanced modeling of protein sequence and biophysical properties (such as structural, functional, and spatial information, amino acid conservation, physicochemical variation, residue mobility, and thermodynamic stability) performed at Invitae indicates that this missense variant is expected to disrupt VPS13B protein function. ClinVar contains an entry for this variant (Variation ID: 1392246). This variant has not been reported in the literature in individuals affected with VPS13B-related conditions. This variant is not present in population databases (gnomAD no frequency). This sequence change replaces leucine, which is neutral and non-polar, with methionine, which is neutral and non-polar, at codon 1005 of the VPS13B protein (p.Leu1005Met). In summary, the available evidence is currently insufficient to determine the role of this variant in disease. Therefore, it has been classified as a Variant of Uncertain Significance.